The following is an entry in ClinVar:

NM_001378615.1(CC2D2A):c.534del (p.Lys178fs)

Genes: CC2D2A (coiled-coil and C2 domain containing 2A; plus strand), FBXL5 (F-box and leucine rich repeat protein 5; minus strand). Cytogenetic location: 4p15.32.
Variant type: Deletion.
Coding change: c.534del on transcript NM_001378615.1 (MANE Select); coding-DNA position 534, one base deleted (A; older notation c.534delA).
Protein change: p.Lys178fs; shifts the reading frame from lysine 178.
Molecular consequence: frameshift variant.
Genome position (GRCh38, 1-based): chr4:15,510,234, A deleted; the last of 3 consecutive A bases (chr4:15,510,232-15,510,234); deleting any one gives the same sequence. VCF-style (leftmost placement, unchanged base first): chr4-15510231-TA-T. GRCh37 (hg19) VCF-style: chr4-15511854-TA-T.
Other names: c.534del, p.Lys178fs (NM_001080522.2); c.387del, p.Lys129fs (NM_001378617.1); short protein forms K129fs, K178fs.
Identifiers: ClinVar variation 2921553 (VCV002921553.3), dbSNP rs1716492953, ClinGen allele CA1440673247.

ClinVar aggregate classification (germline): Pathogenic (1 of 4 stars; one submission).

Conditions:
Joubert syndrome. Also called: JOUBERT-BOLTSHAUSER SYNDROME; Familial aplasia of the vermis. Identifiers: Orphanet 475, MedGen C5979921, MONDO:0018772.
Meckel-Gruber syndrome. Also called: DYSENCEPHALIA SPLANCHNOCYSTICA; GRUBER SYNDROME; Dysencephalia splachnocystica. Identifiers: Orphanet 564, MedGen C0265215, MONDO:0018921.

Submission:

Labcorp Genetics (formerly Invitae), Labcorp
Classification: Pathogenic for Joubert syndrome; Meckel-Gruber syndrome. Last evaluated: 2023-12-19. Review status: criteria provided, single submitter. Criteria: Invitae Variant Classification Sherloc (09022015). Collection method: clinical testing. Allele origin: germline.
Comment: This sequence change creates a premature translational stop signal (p.Lys178Asnfs*80) in the CC2D2A gene. It is expected to result in an absent or disrupted protein product. Loss-of-function variants in CC2D2A are known to be pathogenic (PMID: 19777577). This variant is not present in population databases (gnomAD no frequency). This variant has not been reported in the literature in individuals affected with CC2D2A-related conditions. For these reasons, this variant has been classified as Pathogenic.

Literature cited by the submitters: PubMed 19777577.